The following is an entry in ClinVar:

ClinVar aggregate classification (germline): Benign/Likely benign. Review status: criteria provided, multiple submitters, no conflicts (2 of 4 stars). 2 submissions from 2 submitters: Benign (1); Likely benign (1). Last evaluated 2024-04-02.

Conditions:
Familial adenomatous polyposis 1 (FAP1). Also called: POLYPOSIS, ADENOMATOUS INTESTINAL; FAMILIAL ADENOMATOUS POLYPOSIS 1, ATTENUATED. Identifiers: MedGen C2713442, MONDO:0021056, OMIM 175100. Disease mechanism: loss of function.

Submissions (2):

Myriad Genetics, Inc.
Classification: Benign for Familial adenomatous polyposis 1. Last evaluated: 2024-04-02. Review status: criteria provided, single submitter. Criteria: Myriad Autosomal Dominant, Autosomal Recessive and X-Linked Classification Criteria (2023). Collection method: clinical testing. Allele origin: unknown.
Comment: This variant is considered benign. This variant is a silent/synonymous amino acid change and it is not expected to impact splicing.

Labcorp Genetics (formerly Invitae), Labcorp
Classification: Likely benign for Familial adenomatous polyposis 1. Last evaluated: 2021-05-25. Review status: criteria provided, single submitter. Criteria: Invitae Variant Classification Sherloc (09022015). Collection method: clinical testing. Allele origin: germline.

NM_000038.6(APC):c.5460C>G (p.Ser1820=)

Gene: APC (APC regulator of Wnt signaling pathway; plus strand). Cytogenetic location: 5q22.2.
Variant type: single nucleotide variant.
Coding change: c.5460C>G on transcript NM_000038.6 (MANE Select); coding-DNA position 5460, C replaced by G.
Protein change: p.Ser1820=; no amino-acid change (serine 1820 retained).
Molecular consequence: synonymous variant.
Genome position (GRCh38, 1-based): chr5:112,841,054, C>G. VCF-style: chr5-112841054-C-G. GRCh37 (hg19) VCF-style: chr5-112176751-C-G.
Other names: c.5460C>G, p.Ser1820= (NM_001127510.3, NM_001354895.2); c.5406C>G, p.Ser1802= (NM_001127511.3); c.5514C>G, p.Ser1838= (NM_001354896.2); c.5490C>G, p.Ser1830= (NM_001354897.2); c.5385C>G, p.Ser1795= (NM_001354898.2); c.5376C>G, p.Ser1792= (NM_001354899.2); c.5337C>G, p.Ser1779= (NM_001354900.2); c.5283C>G, p.Ser1761= (NM_001354901.2); and 5 more.
Identifiers: ClinVar variation 1561312 (VCV001561312.9), dbSNP rs2149940725, ClinGen allele CA446208870.
Genomic context (GRCh38, chr5:112,841,054, plus strand): 5'-TGCTGAGAGAGTTTTCTCAGACAACAAAGATTCAAAGAAACAGAATTTGAAAAATAATTC[C>G]AAGGTCTTCAATGATAAGCTCCCAAATAATGAAGATAGAGTCAGAGGAAGTTTTGCTTTT-3'
Protein context (NP_000029.2, residues 1810-1830): DSKKQNLKNN[Ser1820=]KVFNDKLPNN